The following is an entry in ClinVar:

ClinVar aggregate classification (germline): Uncertain significance (1 of 4 stars; one submission).

Allele frequency attached by ClinVar (database versions not stated): gnomAD exomes 0.00001.
gnomAD v4.1: 6 of 1,614,102 alleles (0.00037%); highest among the groups gnomAD compares: Non-Finnish European, 0.00042%; no homozygotes.

Submission:

Labcorp Genetics (formerly Invitae), Labcorp
Classification: Uncertain significance. Last evaluated: 2022-12-16. Review status: criteria provided, single submitter. Criteria: Invitae Variant Classification Sherloc (09022015). Collection method: clinical testing. Allele origin: germline.
Comment: Advanced modeling of protein sequence and biophysical properties (such as structural, functional, and spatial information, amino acid conservation, physicochemical variation, residue mobility, and thermodynamic stability) has been performed at Invitae for this missense variant, however the output from this modeling did not meet the statistical confidence thresholds required to predict the impact of this variant on SRCAP protein function. In summary, the available evidence is currently insufficient to determine the role of this variant in disease. Therefore, it has been classified as a Variant of Uncertain Significance. This variant has not been reported in the literature in individuals affected with SRCAP-related conditions. This sequence change replaces alanine, which is neutral and non-polar, with threonine, which is neutral and polar, at codon 1502 of the SRCAP protein (p.Ala1502Thr). This variant is present in population databases (no rsID available, gnomAD no frequency).

NM_006662.3(SRCAP):c.4504G>A (p.Ala1502Thr)

Gene: SRCAP (Snf2 related CREBBP activator protein; plus strand). Cytogenetic location: 16p11.2.
Variant type: single nucleotide variant.
Coding change: c.4504G>A on transcript NM_006662.3 (MANE Select); coding-DNA position 4504, G replaced by A.
Protein change: p.Ala1502Thr; replaces alanine 1502 with threonine.
Molecular consequence: missense variant.
Genome position (GRCh38, 1-based): chr16:30,723,928, G>A. VCF-style: chr16-30723928-G-A. GRCh37 (hg19) VCF-style: chr16-30735249-G-A.
Other names: short protein forms A1502T.
Identifiers: ClinVar variation 2870096 (VCV002870096.3), dbSNP rs1316991242, ClinGen allele CA395616103.